The following is an entry in ClinVar:

NM_003060.4(SLC22A5):c.306C>A (p.Asp102Glu)

Gene: SLC22A5 (solute carrier family 22 member 5; plus strand). Cytogenetic location: 5q31.1.
Variant type: single nucleotide variant.
Coding change: c.306C>A on transcript NM_003060.4 (MANE Select); coding-DNA position 306, C replaced by A.
Protein change: p.Asp102Glu; replaces aspartic acid 102 with glutamic acid.
Molecular consequence: missense variant.
Genome position (GRCh38, 1-based): chr5:132,370,278, C>A. VCF-style: chr5-132370278-C-A. GRCh37 (hg19) VCF-style: chr5-131705970-C-A.
Other names: c.306C>A, p.Asp102Glu (NM_001308122.2); short protein forms D102E.
Identifiers: ClinVar variation 1424694 (VCV001424694.8), dbSNP rs1751854895, ClinGen allele CA360802774.
Genomic context (GRCh38, chr5:132,370,278, plus strand): 5'-CCGCTACCGGCTCGCCACCATCGCCAACTTCTCGGCGCTTGGGCTGGAGCCGGGGCGCGA[C>A]GTGGACCTGGGGCAGCTGGAGCAGGAGAGCTGTCTGGATGGCTGGGAGTTCAGTCAGGAC-3'
Protein context (NP_003051.1, residues 92-112): FSALGLEPGR[Asp102Glu]VDLGQLEQES

ClinVar aggregate classification (germline): Uncertain significance (1 of 4 stars; one submission).

Conditions:
Renal carnitine transport defect (CDSP). Also called: Systemic primary carnitine deficiency; Primary carnitine deficiency; CARNITINE DEFICIENCY, SYSTEMIC, DUE TO DEFECT IN RENAL REABSORPTION OF CARNITINE; CARNITINE TRANSPORTER, PLASMA-MEMBRANE, DEFICIENCY OF; CARNITINE UPTAKE DEFECT; Systemic primary carnitine deficiency disease. Identifiers: Orphanet 158, MedGen C0342788, MONDO:0008919, OMIM 212140.

Allele frequency attached by ClinVar (database versions not stated): TOPMed below 0.00001.

Submission:

Labcorp Genetics (formerly Invitae), Labcorp
Classification: Uncertain significance for Renal carnitine transport defect. Last evaluated: 2023-07-17. Review status: criteria provided, single submitter. Criteria: Invitae Variant Classification Sherloc (09022015). Collection method: clinical testing. Allele origin: germline.
Comment: This sequence change replaces aspartic acid, which is acidic and polar, with glutamic acid, which is acidic and polar, at codon 102 of the SLC22A5 protein (p.Asp102Glu). This variant is not present in population databases (gnomAD no frequency). This variant has not been reported in the literature in individuals affected with SLC22A5-related conditions. ClinVar contains an entry for this variant (Variation ID: 1424694). Advanced modeling of protein sequence and biophysical properties (such as structural, functional, and spatial information, amino acid conservation, physicochemical variation, residue mobility, and thermodynamic stability) has been performed at Invitae for this missense variant, however the output from this modeling did not meet the statistical confidence thresholds required to predict the impact of this variant on SLC22A5 protein function. In summary, the available evidence is currently insufficient to determine the role of this variant in disease. Therefore, it has been classified as a Variant of Uncertain Significance.